The following is an entry in ClinVar:

ClinVar aggregate classification (germline): Uncertain significance (1 of 4 stars; one submission).

Submission:

CeGaT Center for Human Genetics Tuebingen
Classification: Uncertain significance. Last evaluated: 2022-08-01. Review status: criteria provided, single submitter. Criteria: CeGaT Center For Human Genetics Tuebingen Variant Classification Criteria Version 2. Collection method: clinical testing. Allele origin: germline. Affected: yes. Observed: 1 variant allele.
Comment: NKX2-1: PM2, PVS1:Moderate

NM_001079668.3(NKX2-1):c.1010del (p.Gly337fs)

Genes: NKX2-1 (NK2 homeobox 1; minus strand), SFTA3 (surfactant associated 3; minus strand). Cytogenetic location: 14q13.3.
Variant type: Deletion.
Coding change: c.1010del on transcript NM_001079668.3 (MANE Select); coding-DNA position 1010, one base deleted (G; older notation c.1010delG).
Protein change: p.Gly337fs; shifts the reading frame from glycine 337.
Molecular consequence: frameshift variant.
Genome position (GRCh38, 1-based): chr14:36,517,474, C deleted on the plus strand (G on the coding strand, the reverse complement: NKX2-1 is on the minus strand); the first of 3 consecutive C bases (chr14:36,517,474-36,517,476); deleting any one gives the same sequence. VCF-style (leftmost placement, unchanged base first): chr14-36517473-GC-G. GRCh37 (hg19) VCF-style: chr14-36986678-GC-G.
Other names: c.920del, p.Gly307fs (NM_003317.4); short protein forms G307fs, G337fs.
Identifiers: ClinVar variation 1711370 (VCV001711370.30), dbSNP rs2502626437, ClinGen allele CA2580088071.